The following is an entry in ClinVar:

NM_012243.3(SLC35A3):c.595G>T (p.Glu199Ter)

Gene: SLC35A3 (solute carrier family 35 member A3; plus strand). Cytogenetic location: 1p21.2.
Variant type: single nucleotide variant.
Coding change: c.595G>T on transcript NM_012243.3 (MANE Select); coding-DNA position 595, G replaced by T.
Protein change: p.Glu199Ter; replaces glutamic acid 199 with a stop codon.
Molecular consequence: nonsense.
Genome position (GRCh38, 1-based): chr1:100,011,494, G>T. VCF-style: chr1-100011494-G-T. GRCh37 (hg19) VCF-style: chr1-100477050-G-T.
Other names: c.595G>T, p.Glu199Ter (NM_001271684.2); c.721G>T, p.Glu241Ter (NM_001271685.2); short protein forms E199*, E241*.
Identifiers: ClinVar variation 1454316 (VCV001454316.6), dbSNP rs2101370069, ClinGen allele CA341315243.

ClinVar aggregate classification (germline): Pathogenic (1 of 4 stars; one submission).

Conditions:
Autism spectrum disorder - epilepsy - arthrogryposis syndrome (AMRS). Identifiers: Orphanet 370943, MedGen C3809910, MONDO:0014248, OMIM 615553.

Submission:

Labcorp Genetics (formerly Invitae), Labcorp
Classification: Pathogenic for Autism spectrum disorder - epilepsy - arthrogryposis syndrome. Last evaluated: 2021-04-05. Review status: criteria provided, single submitter. Criteria: Invitae Variant Classification Sherloc (09022015). Collection method: clinical testing. Allele origin: germline.
Comment: This sequence change creates a premature translational stop signal (p.Glu199*) in the SLC35A3 gene. It is expected to result in an absent or disrupted protein product. Loss-of-function variants in SLC35A3 are known to be pathogenic (PMID: 24031089, 28328131). For these reasons, this variant has been classified as Pathogenic. This variant has not been reported in the literature in individuals with SLC35A3-related conditions. This variant is not present in population databases (ExAC no frequency).

Literature cited by the submitters: PubMed 24031089; PubMed 28328131.